The following is an entry in ClinVar:

ClinVar aggregate classification (germline): Conflicting classifications of pathogenicity. Review status: criteria provided, conflicting classifications (1 of 4 stars). 2 submissions from 2 submitters: Uncertain significance (1); Likely benign (1). Last evaluated 2026-08-26.

Conditions:
TRRAP-related disorder. Also called: TRRAP-related condition.

Allele frequency attached by ClinVar (database versions not stated): gnomAD 0.00001; TOPMed 0.00003; ExAC 0.00005.
gnomAD v4.1: 58 of 1,599,138 alleles (0.0036%); highest among the groups gnomAD compares: Non-Finnish European, 0.0049%; no homozygotes.

Submissions (2):

PreventionGenetics, part of Exact Sciences
Classification: Likely benign for TRRAP-related condition. Last evaluated: 2026-08-26. Review status: criteria provided, single submitter. Criteria: ACMG Guidelines, 2015. Collection method: clinical testing. Allele origin: germline.
Comment: This variant is classified as likely benign based on ACMG/AMP sequence variant interpretation guidelines (Richards et al. 2015 PMID: 25741868, with internal and published modifications).

Labcorp Genetics (formerly Invitae), Labcorp
Classification: Uncertain significance. Last evaluated: 2021-12-13. Review status: criteria provided, single submitter. Criteria: Invitae Variant Classification Sherloc (09022015). Collection method: clinical testing. Allele origin: germline.
Comment: This sequence change falls in intron 7 of the TRRAP gene. It does not directly change the encoded amino acid sequence of the TRRAP protein. It affects a nucleotide within the consensus splice site. This variant is present in population databases (rs782028108, gnomAD 0.006%). This variant has not been reported in the literature in individuals affected with TRRAP-related conditions. Variants that disrupt the consensus splice site are a relatively common cause of aberrant splicing (PMID: 17576681, 9536098). Algorithms developed to predict the effect of sequence changes on RNA splicing suggest that this variant may disrupt the consensus splice site. In summary, the available evidence is currently insufficient to determine the role of this variant in disease. Therefore, it has been classified as a Variant of Uncertain Significance.

Literature cited by the submitters: PubMed 17576681 (cited by Labcorp Genetics (formerly Invitae), Labcorp); PubMed 9536098 (cited by Labcorp Genetics (formerly Invitae), Labcorp).

NM_001375524.1(TRRAP):c.507+6T>G

Gene: TRRAP (transformation/transcription domain associated protein; plus strand). Cytogenetic location: 7q22.1.
Variant type: single nucleotide variant.
Coding change: c.507+6T>G on transcript NM_001375524.1 (MANE Select); 6 bases into the intron after coding-DNA position 507, T replaced by G.
Molecular consequence: intron variant.
Genome position (GRCh38, 1-based): chr7:98,895,826, T>G. VCF-style: chr7-98895826-T-G. GRCh37 (hg19) VCF-style: chr7-98493449-T-G.
Other names: c.507+6T>G (NM_003496.3, NM_001244580.2, NM_003496.4).
Identifiers: ClinVar variation 2414907 (VCV002414907.7), dbSNP rs782028108, ClinGen allele CA4359258.